The following is an entry in ClinVar:

ClinVar aggregate classification (germline): Uncertain significance (1 of 4 stars; one submission).

Allele frequency attached by ClinVar (database versions not stated): gnomAD exomes below 0.00001; ExAC 0.00001.
gnomAD v4.1: 21 of 1,614,222 alleles (0.0013%); highest among the groups gnomAD compares: Non-Finnish European, 0.0018%; no homozygotes.

Submission:

Labcorp Genetics (formerly Invitae), Labcorp
Classification: Uncertain significance. Last evaluated: 2023-12-26. Review status: criteria provided, single submitter. Criteria: Invitae Variant Classification Sherloc (09022015). Collection method: clinical testing. Allele origin: germline.
Comment: This sequence change replaces methionine, which is neutral and non-polar, with leucine, which is neutral and non-polar, at codon 299 of the NFE2L2 protein (p.Met299Leu). This variant is present in population databases (rs771646528, gnomAD 0.0009%). This variant has not been reported in the literature in individuals affected with NFE2L2-related conditions. ClinVar contains an entry for this variant (Variation ID: 1366824). Advanced modeling of protein sequence and biophysical properties (such as structural, functional, and spatial information, amino acid conservation, physicochemical variation, residue mobility, and thermodynamic stability) performed at Invitae indicates that this missense variant is not expected to disrupt NFE2L2 protein function with a negative predictive value of 80%. In summary, the available evidence is currently insufficient to determine the role of this variant in disease. Therefore, it has been classified as a Variant of Uncertain Significance.

NM_006164.5(NFE2L2):c.895A>T (p.Met299Leu)

Gene: NFE2L2 (NFE2 like bZIP transcription factor 2; minus strand). Cytogenetic location: 2q31.2.
Variant type: single nucleotide variant.
Coding change: c.895A>T on transcript NM_006164.5 (MANE Select); coding-DNA position 895, A replaced by T.
Protein change: p.Met299Leu; replaces methionine 299 with leucine.
Molecular consequence: missense variant.
Genome position (GRCh38, 1-based): chr2:177,231,708, T>A on the plus strand (A>T on the coding strand, the complement: NFE2L2 is on the minus strand). VCF-style: chr2-177231708-T-A. GRCh37 (hg19) VCF-style: chr2-178096436-T-A.
Other names: c.847A>T, p.Met283Leu (NM_001145412.3, NM_001313900.1, NM_001313901.1); c.826A>T, p.Met276Leu (NM_001145413.3); c.805A>T, p.Met269Leu (NM_001313902.2); c.676A>T, p.Met226Leu (NM_001313903.2); c.595A>T, p.Met199Leu (NM_001313904.1); short protein forms M276L, M283L, M299L, M226L, M269L, M199L.
Identifiers: ClinVar variation 1366824 (VCV001366824.7), dbSNP rs771646528, ClinGen allele CA1979778.
Genomic context (GRCh38, chr2:177,231,708, plus strand): 5'-CATCAATGGGCCCATTTAGAAGTTCAGAGAGTGAATGGCTTAAAGTAGCAGGTGAGGGCA[T>A]GCTGTTGCTGATACTGGGCTCAGCTATGAAAGCAGAATAAAATTCATCACCAAAATCTGT-3'
Protein context (NP_006155.2, residues 289-309): FIAEPSISNS[Met299Leu]PSPATLSHSL